The following is an entry in ClinVar:

ClinVar aggregate classification (germline): Pathogenic (1 of 4 stars; one submission).

Conditions:
Spastic paraplegia. Identifiers: MedGen C0037772, HP:0001258.

Submission:

Labcorp Genetics (formerly Invitae), Labcorp
Classification: Pathogenic for Spastic paraplegia. Last evaluated: 2021-08-23. Review status: criteria provided, single submitter. Criteria: Invitae Variant Classification Sherloc (09022015). Collection method: clinical testing. Allele origin: germline.
Comment: This variant has not been reported in the literature in individuals affected with ZFYVE26-related conditions. This variant is not present in population databases (ExAC no frequency). This sequence change creates a premature translational stop signal (p.Ile1948Metfs*7) in the ZFYVE26 gene. It is expected to result in an absent or disrupted protein product. Loss-of-function variants in ZFYVE26 are known to be pathogenic (PMID: 18394578, 19805727). For these reasons, this variant has been classified as Pathogenic.

Literature cited by the submitters: PubMed 18394578; PubMed 19805727.

NM_015346.4(ZFYVE26):c.5844del (p.Ile1948fs)

Gene: ZFYVE26 (zinc finger FYVE-type containing 26; minus strand). Cytogenetic location: 14q24.1.
Variant type: Deletion.
Coding change: c.5844del on transcript NM_015346.4 (MANE Select); coding-DNA position 5844, one base deleted (T; older notation c.5844delT).
Protein change: p.Ile1948fs; shifts the reading frame from isoleucine 1948.
Molecular consequence: frameshift variant.
Genome position (GRCh38, 1-based): chr14:67,766,394, A deleted on the plus strand (T on the coding strand, the reverse complement: ZFYVE26 is on the minus strand); the first of 2 consecutive A bases (chr14:67,766,394-67,766,395); deleting either gives the same sequence. VCF-style (leftmost placement, unchanged base first): chr14-67766393-CA-C. GRCh37 (hg19) VCF-style: chr14-68233110-CA-C.
Other names: short protein forms I1948fs.
Identifiers: ClinVar variation 1453443 (VCV001453443.6), dbSNP rs2140199559, ClinGen allele CA2573150110.